The following is an entry in ClinVar:

ClinVar aggregate classification (germline): Uncertain significance. Review status: criteria provided, multiple submitters, no conflicts (2 of 4 stars). 2 submissions from 2 submitters: Uncertain significance (2). Last evaluated 2025-07-22.

Conditions:
Tuberous sclerosis 1 (TSC1). Identifiers: Orphanet 805, MedGen C1854465, MONDO:0008612, OMIM 191100.
Hereditary cancer-predisposing syndrome. Also called: Hereditary neoplastic syndrome; Tumor predisposition; Neoplastic Syndromes, Hereditary; Hereditary Cancer Syndrome. Identifiers: Orphanet 140162, MedGen C0027672, MeSH D009386, MONDO:0015356.

Submissions (2):

Labcorp Genetics (formerly Invitae), Labcorp
Classification: Uncertain significance for Tuberous sclerosis 1. Last evaluated: 2025-07-22. Review status: criteria provided, single submitter. Criteria: Invitae Variant Classification Sherloc (09022015). Collection method: clinical testing. Allele origin: germline.
Comment: This sequence change replaces arginine, which is basic and polar, with leucine, which is neutral and non-polar, at codon 689 of the TSC1 protein (p.Arg689Leu). This variant is not present in population databases (gnomAD no frequency). This variant has not been reported in the literature in individuals affected with TSC1-related conditions. ClinVar contains an entry for this variant (Variation ID: 949772). Invitae Evidence Modeling of protein sequence and biophysical properties (such as structural, functional, and spatial information, amino acid conservation, physicochemical variation, residue mobility, and thermodynamic stability) indicates that this missense variant is not expected to disrupt TSC1 protein function with a negative predictive value of 95%. In summary, the available evidence is currently insufficient to determine the role of this variant in disease. Therefore, it has been classified as a Variant of Uncertain Significance.

Ambry Genetics
Classification: Uncertain significance for Hereditary cancer-predisposing syndrome. Last evaluated: 2024-06-06. Review status: criteria provided, single submitter. Criteria: Ambry Variant Classification Scheme 2023. Collection method: clinical testing. Allele origin: germline.
Comment: The p.R689L variant (also known as c.2066G>T), located in coding exon 15 of the TSC1 gene, results from a G to T substitution at nucleotide position 2066. The arginine at codon 689 is replaced by leucine, an amino acid with dissimilar properties. This amino acid position is not well conserved in available vertebrate species. In addition, the in silico prediction for this alteration is inconclusive. Based on the available evidence, the clinical significance of this variant remains unclear.

NM_000368.5(TSC1):c.2066G>T (p.Arg689Leu)

Gene: TSC1 (TSC complex subunit 1; minus strand). Cytogenetic location: 9q34.13.
Variant type: single nucleotide variant.
Coding change: c.2066G>T on transcript NM_000368.5 (MANE Select); coding-DNA position 2066, G replaced by T.
Protein change: p.Arg689Leu; replaces arginine 689 with leucine.
Molecular consequence: missense variant.
Genome position (GRCh38, 1-based): chr9:132,903,793, C>A on the plus strand (G>T on the coding strand, the complement: TSC1 is on the minus strand). VCF-style: chr9-132903793-C-A. GRCh37 (hg19) VCF-style: chr9-135779180-C-A.
Other names: c.2063G>T, p.Arg688Leu (NM_001162426.2); c.1913G>T, p.Arg638Leu (NM_001162427.2); c.1703G>T, p.Arg568Leu (NM_001362177.2); short protein forms R688L, R689L, R568L, R638L.
Identifiers: ClinVar variation 949772 (VCV000949772.8), dbSNP rs200827913, ClinGen allele CA375361121.